The following is an entry in ClinVar:

NM_004960.4(FUS):c.39C>T (p.Ser13=)

Gene: FUS (FUS RNA binding protein; plus strand). Cytogenetic location: 16p11.2.
Variant type: single nucleotide variant.
Coding change: c.39C>T on transcript NM_004960.4 (MANE Select); coding-DNA position 39, C replaced by T.
Protein change: p.Ser13=; no amino-acid change (serine 13 retained).
Molecular consequence: synonymous variant. On other transcripts: non-coding transcript variant (1).
Genome position (GRCh38, 1-based): chr16:31,182,513, C>T. VCF-style: chr16-31182513-C-T. GRCh37 (hg19) VCF-style: chr16-31193834-C-T.
Other names: c.39C>T, p.Ser13= (NM_001170634.1, NM_001170937.1).
Identifiers: ClinVar variation 4794086 (VCV004794086.1).

ClinVar aggregate classification (germline): Uncertain significance (1 of 4 stars; one submission).

Conditions:
Amyotrophic lateral sclerosis type 6. Also called: Amyotrophic lateral sclerosis 6, with or without frontotemporal dementia; FUS-Related Amyotrophic Laterial Sclerosis; AMYOTROPHIC LATERAL SCLEROSIS 6 WITHOUT FRONTOTEMPORAL DEMENTIA. Identifiers: Orphanet 275872, Orphanet 803, MedGen C2931786, MONDO:0011951, OMIM 608030.
Tremor, hereditary essential, 4 (ETM4). Identifiers: MedGen C3539195, MONDO:0013888, OMIM 614782.

gnomAD v4.1: 5 of 1,614,022 alleles (0.00031%); highest among the groups gnomAD compares: South Asian, 0.0044%; no homozygotes.

Submission:

Labcorp Genetics (formerly Invitae), Labcorp
Classification: Uncertain significance for Tremor, hereditary essential, 4; Amyotrophic lateral sclerosis type 6. Last evaluated: 2025-04-17. Review status: criteria provided, single submitter. Criteria: Invitae Variant Classification Sherloc (09022015). Collection method: clinical testing. Allele origin: germline.
Comment: This sequence change affects codon 13 of the FUS mRNA. It is a 'silent' change, meaning that it does not change the encoded amino acid sequence of the FUS protein. It affects a nucleotide within the consensus splice site. This variant is present in population databases (no rsID available, gnomAD 0.007%). This variant has not been reported in the literature in individuals affected with FUS-related conditions. Algorithms developed to predict the effect of sequence changes on RNA splicing suggest that this variant is not likely to affect RNA splicing. In summary, the available evidence is currently insufficient to determine the role of this variant in disease. Therefore, it has been classified as a Variant of Uncertain Significance.